The following is an entry in ClinVar:

ClinVar aggregate classification (germline): Uncertain significance (1 of 4 stars; one submission).

Conditions:
Agammaglobulinemia 4, autosomal recessive (AGM4). Also called: B cell linker protein deficiency; AGAMMAGLOBULINEMIA, AUTOSOMAL RECESSIVE, DUE TO BLNK DEFECT. Identifiers: MedGen C3150752, MONDO:0013289, OMIM 613502.

Allele frequency attached by ClinVar (database versions not stated): gnomAD 0.00001; TOPMed 0.00003.
gnomAD v4.1: 2 of 1,612,404 alleles (0.00012%); highest among the groups gnomAD compares: African/African-American, 0.0013%; no homozygotes.

Submission:

Labcorp Genetics (formerly Invitae), Labcorp
Classification: Uncertain significance for Agammaglobulinemia 4, autosomal recessive. Last evaluated: 2024-07-31. Review status: criteria provided, single submitter. Criteria: Invitae Variant Classification Sherloc (09022015). Collection method: clinical testing. Allele origin: germline.
Comment: This sequence change replaces phenylalanine, which is neutral and non-polar, with tyrosine, which is neutral and polar, at codon 369 of the BLNK protein (p.Phe369Tyr). This variant is not present in population databases (gnomAD no frequency). This variant has not been reported in the literature in individuals affected with BLNK-related conditions. ClinVar contains an entry for this variant (Variation ID: 854980). Advanced modeling of protein sequence and biophysical properties (such as structural, functional, and spatial information, amino acid conservation, physicochemical variation, residue mobility, and thermodynamic stability) performed at Invitae indicates that this missense variant is not expected to disrupt BLNK protein function with a negative predictive value of 80%. In summary, the available evidence is currently insufficient to determine the role of this variant in disease. Therefore, it has been classified as a Variant of Uncertain Significance.

NM_013314.4(BLNK):c.1106T>A (p.Phe369Tyr)

Genes: ZNF518A (zinc finger protein 518A; plus strand), BLNK (B cell linker; minus strand). Cytogenetic location: 10q24.1.
Variant type: single nucleotide variant.
Coding change: c.1106T>A on transcript NM_013314.4 (MANE Select); coding-DNA position 1106, T replaced by A.
Protein change: p.Phe369Tyr; replaces phenylalanine 369 with tyrosine.
Molecular consequence: missense variant. On other transcripts: non-coding transcript variant (3), intron variant (3).
Genome position (GRCh38, 1-based): chr10:96,197,053, A>T on the plus strand (T>A on the coding strand, the complement: BLNK is on the minus strand). VCF-style: chr10-96197053-A-T. GRCh37 (hg19) VCF-style: chr10-97956809-A-T.
Other names: c.1037T>A, p.Phe346Tyr (NM_001114094.2); c.780+3022T>A (NM_001258442.2); c.1026+3022T>A (NM_001258441.2); c.1095+3022T>A (NM_001258440.2); short protein forms F346Y, F369Y.
Identifiers: ClinVar variation 854980 (VCV000854980.9), dbSNP rs895691306, ClinGen allele CA212514586.